The following is an entry in ClinVar:

ClinVar aggregate classification (germline): Pathogenic (1 of 4 stars; one submission).

Conditions:
KBG syndrome (KBGS). Also called: ANKRD11-Related KBG Syndrome. Identifiers: Orphanet 2332, MedGen C0220687, MONDO:0007846, OMIM 148050.

Submission:

Labcorp Genetics (formerly Invitae), Labcorp
Classification: Pathogenic for KBG syndrome. Last evaluated: 2023-04-16. Review status: criteria provided, single submitter. Criteria: Invitae Variant Classification Sherloc (09022015). Collection method: clinical testing. Allele origin: germline.
Comment: This sequence change creates a premature translational stop signal (p.Gly1383Valfs*25) in the ANKRD11 gene. It is expected to result in an absent or disrupted protein product. Loss-of-function variants in ANKRD11 are known to be pathogenic (PMID: 21782149, 25125236, 25413698, 25652421). This variant is not present in population databases (gnomAD no frequency). This variant has not been reported in the literature in individuals affected with ANKRD11-related conditions. For these reasons, this variant has been classified as Pathogenic.

Literature cited by the submitters: PubMed 21782149; PubMed 25125236; PubMed 25413698; PubMed 25652421.

NM_013275.6(ANKRD11):c.4148_4151del (p.Gly1383fs)

Gene: ANKRD11 (ankyrin repeat domain 11; minus strand). Cytogenetic location: 16q24.3.
Variant type: Deletion.
Coding change: c.4148_4151del on transcript NM_013275.6 (MANE Select); coding-DNA positions 4148 to 4151, 4 bases deleted (GCGG; older notation c.4148_4151delGCGG).
Protein change: p.Gly1383fs; shifts the reading frame from glycine 1383.
Molecular consequence: frameshift variant.
Genome position (GRCh38, 1-based): chr16:89,282,391-89,282,394, CCGC deleted on the plus strand (GCGG on the coding strand, the reverse complement: ANKRD11 is on the minus strand); deleting any 4 consecutive bases within chr16:89,282,391-89,282,396 gives the same sequence; the c. name uses the placement nearest the transcript's 3' end. VCF-style (leftmost placement, unchanged base first): chr16-89282390-ACCGC-A. GRCh37 (hg19) VCF-style: chr16-89348798-ACCGC-A.
Other names: c.4148_4151del, p.Gly1383fs (NM_001256182.2, NM_001256183.2); short protein forms G1383fs.
Identifiers: ClinVar variation 2856933 (VCV002856933.3), dbSNP rs2544234065, ClinGen allele CA2739265543.